The following is an entry in ClinVar:

ClinVar aggregate classification (germline): Benign/Likely benign. Review status: criteria provided, multiple submitters, no conflicts (2 of 4 stars). 9 submissions from 9 submitters: Benign (6); Likely benign (1). 2 of the submissions do not count toward it. Last evaluated 2026-02-04.

Conditions:
Combined immunodeficiency due to DOCK8 deficiency (HIES2). Also called: HIES autosomal recessive; HYPER-IgE RECURRENT INFECTION SYNDROME 2, AUTOSOMAL RECESSIVE; DOCK8 Deficiency; Hyper-IgE recurrent infection syndrome, autosomal recessive; HYPER-IgE SYNDROME 2, AUTOSOMAL RECESSIVE, WITH RECURRENT INFECTIONS. Identifiers: Orphanet 217390, MedGen C4722305, MONDO:0009478, OMIM 243700.

Submissions (9):

Labcorp Genetics (formerly Invitae), Labcorp
Classification: Benign for Combined immunodeficiency due to DOCK8 deficiency. Last evaluated: 2026-02-04. Review status: criteria provided, single submitter. Criteria: Invitae Variant Classification Sherloc (09022015). Collection method: clinical testing. Allele origin: germline.

Women's Health and Genetics/Laboratory Corporation of America, LabCorp
Classification: Benign. Last evaluated: 2026-01-21. Review status: criteria provided, single submitter. Criteria: LabCorp Variant Classification Summary - May 2015. Collection method: clinical testing. Allele origin: germline.

Blueprint Genetics
Classification: Likely benign. Last evaluated: 2024-11-25. Review status: criteria provided, single submitter. Criteria: ACMG Guidelines, 2015. Collection method: clinical testing. Allele origin: germline.

Mayo Clinic Laboratories, Mayo Clinic
Classification: Benign. Last evaluated: 2020-02-05. Review status: criteria provided, single submitter. Criteria: ACMG Guidelines, 2015. Collection method: clinical testing. Allele origin: germline. Observed: 61 variant alleles.

Laboratory for Molecular Medicine, Mass General Brigham Personalized Medicine
Classification: Benign. Last evaluated: 2015-09-02. Review status: criteria provided, single submitter. Criteria: LMM Criteria. Collection method: clinical testing. Allele origin: germline. Observed: 3 variant alleles.
Comment: c.404+16delT in intron 4 of DOCK8: This variant is not expected to have clinical significance because it has been identified in 3.64% (2389/65588) of European c hromosomes by the Exome Aggregation Consortium (ExAC .org; dbSNP rs202087573).

GeneDx
Classification: Benign. Last evaluated: 2015-03-03. Review status: criteria provided, single submitter. Criteria: GeneDx Variant Classification Process June 2021. Collection method: clinical testing. Allele origin: germline. Affected: yes.

PreventionGenetics, part of Exact Sciences
Classification: Benign. Review status: criteria provided, single submitter. Criteria: ACMG Guidelines, 2015. Collection method: clinical testing. Allele origin: germline.

Genome Diagnostics Laboratory, Amsterdam University Medical Center
Classification: Benign. Review status: no assertion criteria provided. Collection method: clinical testing. Allele origin: germline. Affected: yes. Study: VKGL Data-share Consensus. Not counted in ClinVar's aggregate classification.

Genome Diagnostics Laboratory, University Medical Center Utrecht
Classification: Benign. Review status: no assertion criteria provided. Collection method: clinical testing. Allele origin: germline. Affected: yes. Study: VKGL Data-share Consensus. Not counted in ClinVar's aggregate classification.

NM_203447.4(DOCK8):c.404+16del

Gene: DOCK8 (dedicator of cytokinesis 8; plus strand). Cytogenetic location: 9p24.3.
Variant type: Deletion.
Coding change: c.404+16del on transcript NM_203447.4 (MANE Select); 16 bases into the intron after coding-DNA position 404, one base deleted (T; older notation c.404+16delT).
Molecular consequence: intron variant.
Genome position (GRCh38, 1-based): chr9:289,597, T deleted; the last of 7 consecutive T bases (chr9:289,591-289,597); deleting any one gives the same sequence. VCF-style (leftmost placement, unchanged base first): chr9-289590-CT-C. GRCh37 (hg19) VCF-style: chr9-289590-CT-C.
Other names: p.?; c.404+16delT (NM_203447.3, NM_203447.4); c.200+16del (NM_001193536.2, NM_001190458.2).
Identifiers: ClinVar variation 180037 (VCV000180037.24), dbSNP rs727505303, ClinGen allele CA185689.